The following is an entry in ClinVar:

ClinVar aggregate classification (germline): Uncertain significance. Review status: criteria provided, multiple submitters, no conflicts (2 of 4 stars). 3 submissions from 3 submitters: Uncertain significance (3). Last evaluated 2025-03-09.

Conditions:
Autosomal recessive limb-girdle muscular dystrophy type 2J (LGMDR10). Also called: MUSCULAR DYSTROPHY, LIMB-GIRDLE, AUTOSOMAL RECESSIVE 10; Limb-girdle muscular dystrophy, type 2J. Identifiers: Orphanet 140922, MedGen C1837342, MONDO:0012127, OMIM 608807.
Dilated cardiomyopathy 1G (CMD1G). Identifiers: Orphanet 154, MedGen C1858763, MONDO:0011400, OMIM 604145.

Allele frequency attached by ClinVar (database versions not stated): TOPMed below 0.00001; gnomAD 0.00001; gnomAD exomes 0.00001.
gnomAD v4.1: 5 of 1,613,966 alleles (0.00031%); highest among the groups gnomAD compares: Middle Eastern, 0.033%; no homozygotes.

Submissions (3):

Labcorp Genetics (formerly Invitae), Labcorp
Classification: Uncertain significance for Dilated cardiomyopathy 1G; Autosomal recessive limb-girdle muscular dystrophy type 2J. Last evaluated: 2025-03-09. Review status: criteria provided, single submitter. Criteria: Invitae Variant Classification Sherloc (09022015). Collection method: clinical testing. Allele origin: germline.
Comment: This sequence change replaces methionine, which is neutral and non-polar, with valine, which is neutral and non-polar, at codon 33804 of the TTN protein (p.Met33804Val). This variant is not present in population databases (gnomAD no frequency). This variant has not been reported in the literature in individuals affected with TTN-related conditions. ClinVar contains an entry for this variant (Variation ID: 1308330). Experimental studies and prediction algorithms are not available or were not evaluated, and the functional significance of this variant is currently unknown. This variant is located in the M band of TTN (PMID: 25589632). Non-truncating variants in this region may be relevant for neuromuscular disorders, but have not been definitively shown to cause cardiomyopathy (PMID: 23975875). In summary, the available evidence is currently insufficient to determine the role of this variant in disease. Therefore, it has been classified as a Variant of Uncertain Significance.

Revvity Omics, Revvity
Classification: Uncertain significance. Last evaluated: 2021-05-25. Review status: criteria provided, single submitter. Criteria: ACMG Guidelines, 2015. Collection method: clinical testing. Allele origin: germline.

GeneDx
Classification: Uncertain significance. Last evaluated: 2019-04-04. Review status: criteria provided, single submitter. Criteria: GeneDx Variant Classification Process June 2021. Collection method: clinical testing. Allele origin: germline. Affected: yes.
Comment: Has not been previously published as pathogenic or benign to our knowledge; Not observed in large population cohorts (Lek et al., 2016); In silico analysis, which includes splice predictors and evolutionary conservation, supports that this variant does not alter protein structure/function; Missense variant in a gene in which most reported pathogenic variants are truncating/loss-of-function; Located in the M-line of the titin protein, where the majority of pathogenic truncating variants associated with muscular dystrophy have been reported

Literature cited by the submitters: PubMed 25589632 (cited by Labcorp Genetics (formerly Invitae), Labcorp); PubMed 23975875 (cited by Labcorp Genetics (formerly Invitae), Labcorp).

NM_001267550.2(TTN):c.101410A>G (p.Met33804Val)

Genes: TTN (titin; minus strand), TTN-AS1 (TTN antisense RNA 1; plus strand). Cytogenetic location: 2q31.2.
Variant type: single nucleotide variant.
Coding change: c.101410A>G on transcript NM_001267550.2 (MANE Select); coding-DNA position 101410, A replaced by G.
Protein change: p.Met33804Val; replaces methionine 33804 with valine.
Molecular consequence: missense variant.
Genome position (GRCh38, 1-based): chr2:178,535,205, T>C on the plus strand (A>G on the coding strand, the complement: TTN is on the minus strand). VCF-style: chr2-178535205-T-C. GRCh37 (hg19) VCF-style: chr2-179399932-T-C.
Other names: c.96487A>G, p.Met32163Val (NM_001256850.1); c.74215A>G, p.Met24739Val (NM_003319.4); c.93706A>G, p.Met31236Val (NM_133378.4); c.74590A>G, p.Met24864Val (NM_133432.3); c.74791A>G, p.Met24931Val (NM_133437.4); short protein forms M24739V, M24864V, M24931V, M31236V, M32163V, M33804V.
Identifiers: ClinVar variation 1308330 (VCV001308330.6), dbSNP rs887802370, ClinGen allele CA60959935.
Genomic context (GRCh38, chr2:178,535,205, plus strand): 5'-CTTCAGCAATCATATATTTCTCATAGAGTTCCTTGGTTGAAGAGTGAGATGCTTTAGTCA[T>C]GGAGACTTCCCTGGTTTCATCTACCTCTTCATCATAGTTCATAGCTCTGGTCTTATCTTC-3'
Protein context (NP_001254479.2, residues 33794-33814): EEVDETREVS[Met33804Val]TKASHSSTKE